The following is an entry in ClinVar:

ClinVar aggregate classification (germline): Likely benign (1 of 4 stars; one submission).

Submission:

CeGaT Center for Human Genetics Tuebingen
Classification: Likely benign. Last evaluated: 2023-07-01. Review status: criteria provided, single submitter. Criteria: CeGaT Center For Human Genetics Tuebingen Variant Classification Criteria Version 2. Collection method: clinical testing. Allele origin: germline. Affected: yes. Observed: 1 variant allele.
Comment: RAD51C: PM2:Supporting, BP4, BP7

NM_058216.3(RAD51C):c.886T>C (p.Leu296=)

Gene: RAD51C (RAD51 paralog C; plus strand). Cytogenetic location: 17q22.
Variant type: single nucleotide variant.
Coding change: c.886T>C on transcript NM_058216.3 (MANE Select); coding-DNA position 886, T replaced by C.
Protein change: p.Leu296=; no amino-acid change (leucine 296 retained).
Molecular consequence: synonymous variant. On other transcripts: non-coding transcript variant (1).
Genome position (GRCh38, 1-based): chr17:58,720,794, T>C. VCF-style: chr17-58720794-T-C. GRCh37 (hg19) VCF-style: chr17-56798155-T-C.
Other names: c.*314T>C (NM_058217.1).
Identifiers: ClinVar variation 2647969 (VCV002647969.24), dbSNP rs2143931443, ClinGen allele CA501075812.